The following is an entry in ClinVar:

ClinVar aggregate classification (germline): Uncertain significance. Review status: criteria provided, multiple submitters, no conflicts (2 of 4 stars). 2 submissions from 2 submitters: Uncertain significance (2). Last evaluated 2024-02-24.

Conditions:
Inborn genetic diseases. Identifiers: MedGen C0950123, MeSH D030342.

Allele frequency attached by ClinVar (database versions not stated): gnomAD exomes 0.00001; TOPMed 0.00001.
gnomAD v4.1: 18 of 1,588,482 alleles (0.0011%); highest among the groups gnomAD compares: Non-Finnish European, 0.0015%; no homozygotes.

Submissions (2):

Labcorp Genetics (formerly Invitae), Labcorp
Classification: Uncertain significance. Last evaluated: 2024-02-24. Review status: criteria provided, single submitter. Criteria: Invitae Variant Classification Sherloc (09022015). Collection method: clinical testing. Allele origin: germline.
Comment: This sequence change replaces arginine, which is basic and polar, with cysteine, which is neutral and slightly polar, at codon 6 of the IARS2 protein (p.Arg6Cys). This variant is not present in population databases (gnomAD no frequency). This variant has not been reported in the literature in individuals affected with IARS2-related conditions. ClinVar contains an entry for this variant (Variation ID: 1471501). Algorithms developed to predict the effect of missense changes on protein structure and function output the following: SIFT: "Not Available"; PolyPhen-2: "Benign"; Align-GVGD: "Not Available". The cysteine amino acid residue is found in multiple mammalian species, which suggests that this missense change does not adversely affect protein function. In summary, the available evidence is currently insufficient to determine the role of this variant in disease. Therefore, it has been classified as a Variant of Uncertain Significance.

Ambry Genetics
Classification: Uncertain significance for Inborn genetic diseases. Last evaluated: 2023-12-15. Review status: criteria provided, single submitter. Criteria: Ambry Variant Classification Scheme 2023. Collection method: clinical testing. Allele origin: germline.

NM_018060.4(IARS2):c.16C>T (p.Arg6Cys)

Genes: IARS2 (isoleucyl-tRNA synthetase 2, mitochondrial; plus strand), LOC129932529 (ATAC-STARR-seq lymphoblastoid silent region 1823; plus strand). Cytogenetic location: 1q41.
Variant type: single nucleotide variant.
Coding change: c.16C>T on transcript NM_018060.4 (MANE Select); coding-DNA position 16, C replaced by T.
Protein change: p.Arg6Cys; replaces arginine 6 with cysteine.
Molecular consequence: missense variant.
Genome position (GRCh38, 1-based): chr1:220,094,232, C>T. VCF-style: chr1-220094232-C-T. GRCh37 (hg19) VCF-style: chr1-220267574-C-T.
Other names: c.16C>T (NM_018060.3); short protein forms R6C.
Identifiers: ClinVar variation 1471501 (VCV001471501.7), dbSNP rs777716260, ClinGen allele CA1401017.